The following is an entry in ClinVar:

NM_004006.3(DMD):c.334dup (p.Trp112fs)

Gene: DMD (dystrophin; minus strand). Cytogenetic location: Xp21.1.
Variant type: Duplication.
Coding change: c.334dup on transcript NM_004006.3 (MANE Select); coding-DNA position 334, one base duplicated (T; older notation c.334dupT).
Protein change: p.Trp112fs; shifts the reading frame from tryptophan 112.
Molecular consequence: frameshift variant. On other transcripts: 5 prime UTR variant (1).
Genome position (GRCh38, 1-based): chrX:32,823,318, A duplicated on the plus strand (T on the coding strand, the reverse complement: DMD is on the minus strand); the first of 3 consecutive A bases (chrX:32,823,318-32,823,320); duplicating any one gives the same sequence. VCF-style (leftmost placement, unchanged base first): chrX-32823317-C-CA. GRCh37 (hg19) VCF-style: chrX-32841434-C-CA.
Other names: c.310dup, p.Trp104fs (NM_000109.4); c.322dup, p.Trp108fs (NM_004009.3); c.-36dup (NM_004010.3); short protein forms W108fs, W104fs, W112fs.
Identifiers: ClinVar variation 2856683 (VCV002856683.3), dbSNP rs2524458148, ClinGen allele CA2739273504.

ClinVar aggregate classification (germline): Pathogenic (1 of 4 stars; one submission).

Conditions:
Duchenne muscular dystrophy (DMD). Also called: MUSCULAR DYSTROPHY, PSEUDOHYPERTROPHIC PROGRESSIVE, DUCHENNE TYPE; Duchenne Muscular Dystrophy (DMD). Identifiers: Orphanet 98896, MedGen C0013264, MONDO:0010679, OMIM 310200.

Submission:

Labcorp Genetics (formerly Invitae), Labcorp
Classification: Pathogenic for Duchenne muscular dystrophy. Last evaluated: 2023-04-15. Review status: criteria provided, single submitter. Criteria: Invitae Variant Classification Sherloc (09022015). Collection method: clinical testing. Allele origin: germline.
Comment: For these reasons, this variant has been classified as Pathogenic. This variant has not been reported in the literature in individuals affected with DMD-related conditions. This variant is not present in population databases (gnomAD no frequency). This sequence change creates a premature translational stop signal (p.Trp112Leufs*26) in the DMD gene. It is expected to result in an absent or disrupted protein product. Loss-of-function variants in DMD are known to be pathogenic (PMID: 16770791, 25007885).

Literature cited by the submitters: PubMed 16770791; PubMed 25007885.